The following is an entry in ClinVar:

NM_000404.4(GLB1):c.955+5G>A

Gene: GLB1 (galactosidase beta 1; minus strand). Cytogenetic location: 3p22.3.
Variant type: single nucleotide variant.
Coding change: c.955+5G>A on transcript NM_000404.4 (MANE Select); 5 bases into the intron after coding-DNA position 955, G replaced by A.
Molecular consequence: intron variant.
Genome position (GRCh38, 1-based): chr3:33,051,753, C>T on the plus strand (G>A on the coding strand, the complement: GLB1 is on the minus strand). VCF-style: chr3-33051753-C-T. GRCh37 (hg19) VCF-style: chr3-33093245-C-T.
Other names: c.955+5G>A (NM_001393580.1); c.562+5G>A (NM_001135602.3); c.1099+5G>A (NM_001317040.2); c.865+5G>A (NM_001079811.3).
Identifiers: ClinVar variation 2186594 (VCV002186594.4), dbSNP rs1464136979, ClinGen allele CA432959393.

ClinVar aggregate classification (germline): Pathogenic (1 of 4 stars; one submission).

Conditions:
Mucopolysaccharidosis, MPS-IV-B (MPS4B). Also called: Mucopolysaccharidosis type IV B; Mucopolysaccharidosis Type IVB; Mucopolysaccharidosis type IVB (Morquio); MPS IVB; MORQUIO SYNDROME B; Mucopolysaccharidosis Type IVB (Morquio B Disease). Identifiers: Orphanet 309310, Orphanet 582, MedGen C0086652, MONDO:0009660, OMIM 253010.
GM1 gangliosidosis. Identifiers: Orphanet 354, MedGen C0085131, MONDO:0018149.

Allele frequency attached by ClinVar (database versions not stated): gnomAD exomes below 0.00001; TOPMed 0.00002.
gnomAD v4.1: 3 of 1,614,180 alleles (0.00019%); highest among the groups gnomAD compares: African/African-American, 0.004%; no homozygotes.

Submission:

Labcorp Genetics (formerly Invitae), Labcorp
Classification: Pathogenic for Mucopolysaccharidosis, MPS-IV-B; GM1 gangliosidosis. Last evaluated: 2025-06-11. Review status: criteria provided, single submitter. Criteria: Invitae Variant Classification Sherloc (09022015). Collection method: clinical testing. Allele origin: germline.
Comment: This sequence change falls in intron 9 of the GLB1 gene. It does not directly change the encoded amino acid sequence of the GLB1 protein. It affects a nucleotide within the consensus splice site. This variant is present in population databases (no rsID available, gnomAD 0.007%). This variant has been observed in individual(s) with clinical features of GM1-gangliosidosis (external communication, internal data). In at least one individual the data is consistent with being in trans (on the opposite chromosome) from a pathogenic variant. ClinVar contains an entry for this variant (Variation ID: 2186594). Variants that disrupt the consensus splice site are a relatively common cause of aberrant splicing (PMID: 17576681, 9536098). Algorithms developed to predict the effect of sequence changes on RNA splicing suggest that this variant may disrupt the consensus splice site. For these reasons, this variant has been classified as Pathogenic.

Literature cited by the submitters: PubMed 17576681; PubMed 9536098.